The following is an entry in ClinVar:

ClinVar aggregate classification (germline): Benign/Likely benign. Review status: criteria provided, multiple submitters, no conflicts (2 of 4 stars). 2 submissions from 2 submitters: Benign (1); Likely benign (1). Last evaluated 2019-03-25.

Conditions:
Charcot-Marie-Tooth disease type 4B2. Also called: CMT 4B2; Charcot-Marie-Tooth Neuropathy Type 4B2; CHARCOT-MARIE-TOOTH DISEASE, WITH FOCALLY FOLDED MYELIN SHEATHS, AUTOSOMAL RECESSIVE, TYPE 4B2; CHARCOT-MARIE-TOOTH DISEASE, DEMYELINATING, TYPE 4B2. Identifiers: Orphanet 99956, MedGen C1858278, MONDO:0011475, OMIM 604563.

Allele frequency attached by ClinVar (database versions not stated): gnomAD 0.00491; TOPMed 0.00549; 1000 Genomes Project 0.00599; 1000 Genomes Project 30x 0.00625.
gnomAD v4.1: 1,279 of 776,764 alleles (0.16%); highest among the groups gnomAD compares: African/African-American, 1.8%; 9 homozygotes.

Submissions (2):

GeneDx
Classification: Likely benign. Last evaluated: 2019-03-25. Review status: criteria provided, single submitter. Criteria: GeneDx Variant Classification Process June 2021. Collection method: clinical testing. Allele origin: germline. Affected: yes.

Illumina Laboratory Services, Illumina
Classification: Benign for Charcot-Marie-Tooth disease type 4B2. Last evaluated: 2018-01-13. Review status: criteria provided, single submitter. Criteria: ICSL Variant Classification Criteria 13 December 2019. Collection method: clinical testing. Allele origin: germline.
Comment: This variant was observed in the ICSL laboratory as part of a predisposition screen in an ostensibly healthy population. It had not been previously curated by ICSL or reported in the Human Gene Mutation Database (HGMD: prior to June 1st, 2018), and was therefore a candidate for classification through an automated scoring system. Utilizing variant allele frequency, disease prevalence and penetrance estimates, and inheritance mode, an automated score was calculated to assess if this variant is too frequent to cause the disease. Based on the score and internal cut-off values, a variant classified as benign is not then subjected to further curation. The score for this variant resulted in a classification of benign for this disease.

NM_030962.4(SBF2):c.-118G>T

Gene: SBF2 (SET binding factor 2; minus strand). Cytogenetic location: 11p15.4.
Variant type: single nucleotide variant.
Coding change: c.-118G>T on transcript NM_030962.4 (MANE Select); 118 bases upstream of the start codon, G replaced by T.
Molecular consequence: 5 prime UTR variant.
Genome position (GRCh38, 1-based): chr11:10,294,187, C>A on the plus strand (G>T on the coding strand, the complement: SBF2 is on the minus strand). VCF-style: chr11-10294187-C-A. GRCh37 (hg19) VCF-style: chr11-10315734-C-A.
Other names: c.-118G>T (NM_001386339.1, NM_001386342.1).
Identifiers: ClinVar variation 302105 (VCV000302105.7), dbSNP rs563422015, ClinGen allele CA10636818.